The following is an entry in ClinVar:

NM_006978.3(RNF113A):c.890_891del (p.Tyr297fs)

Gene: RNF113A (ring finger protein 113A; minus strand). Cytogenetic location: Xq24.
Variant type: Deletion.
Coding change: c.890_891del on transcript NM_006978.3 (MANE Select); coding-DNA positions 890 to 891, 2 bases deleted (AT; older notation c.890_891delAT).
Protein change: p.Tyr297fs; shifts the reading frame from tyrosine 297.
Molecular consequence: frameshift variant.
Genome position (GRCh38, 1-based): chrX:119,870,723-119,870,724, AT deleted on the plus strand (AT on the coding strand, the reverse complement: RNF113A is on the minus strand); deleting any 2 consecutive bases within chrX:119,870,723-119,870,725 gives the same sequence; the c. name uses the placement nearest the transcript's 3' end. VCF-style (leftmost placement, unchanged base first): chrX-119870722-CAT-C. GRCh37 (hg19) VCF-style: chrX-119004685-CAT-C.
Other names: short protein forms Y297fs.
Identifiers: ClinVar variation 2578338 (VCV002578338.2), dbSNP rs2521607268, ClinGen allele CA2580617610.

ClinVar aggregate classification (germline): Likely pathogenic (1 of 4 stars; one submission).

Conditions:
Trichothiodystrophy 5, nonphotosensitive (TTD5). Identifiers: Orphanet 33364, MedGen C4225420, MONDO:0010495, OMIM 300953.

Submission:

Clinical Genetics Laboratory, Exon Genomics
Classification: Likely pathogenic for Trichothiodystrophy 5, nonphotosensitive. Last evaluated: 2023-09-01. Review status: criteria provided, single submitter. Criteria: ACMG Guidelines 2015. Collection method: clinical testing. Allele origin: unknown. Inheritance: X-linked inheritance. Affected: yes. Observed: 1 hemizygote.
Comment: It is a Null variant (frame-shift), predicted to cause NMD. Loss-of-function is a known mechanism of disease (gene has 3 reported pathogenic LOF variants). It is also absent from controls. In summary, the Tyr297Cysfs*3 variant meets ACMG criteria to be classified as pathogenic.